The following is an entry in ClinVar:

NM_001458.5(FLNC):c.6530C>A (p.Thr2177Asn)

Genes: FLNC-AS1 (FLNC antisense RNA 1; minus strand), FLNC (filamin C; plus strand). Cytogenetic location: 7q32.1.
Variant type: single nucleotide variant.
Coding change: c.6530C>A on transcript NM_001458.5 (MANE Select); coding-DNA position 6530, C replaced by A.
Protein change: p.Thr2177Asn; replaces threonine 2177 with asparagine.
Molecular consequence: missense variant.
Genome position (GRCh38, 1-based): chr7:128,854,019, C>A. VCF-style: chr7-128854019-C-A. GRCh37 (hg19) VCF-style: chr7-128494073-C-A.
Other names: c.6431C>A, p.Thr2144Asn (NM_001127487.2); short protein forms T2144N, T2177N.
Identifiers: ClinVar variation 854256 (VCV000854256.13), dbSNP rs756345989, ClinGen allele CA4476007.

ClinVar aggregate classification (germline): Conflicting classifications of pathogenicity. Review status: criteria provided, conflicting classifications (1 of 4 stars). 2 submissions from 2 submitters: Uncertain significance (1); Likely benign (1). Last evaluated 2025-10-30.

Conditions:
Cardiovascular phenotype. Identifiers: MedGen CN230736.
Myofibrillar myopathy 5. Also called: FILAMINOPATHY, AUTOSOMAL DOMINANT; Filaminopathy (type). Identifiers: Orphanet 171445, MedGen C1836050, MONDO:0012289, OMIM 609524.
Distal myopathy with posterior leg and anterior hand involvement. Also called: WILLIAMS DISTAL MYOPATHY. Identifiers: Orphanet 63273, MedGen C3279722, MONDO:0013550, OMIM 614065.
Hypertrophic cardiomyopathy 26. Also called: Cardiomyopathy, familial hypertrophic, 26. Identifiers: Orphanet 75249, MedGen C4310749, MONDO:0014883, OMIM 617047.

Allele frequency attached by ClinVar (database versions not stated): TOPMed below 0.00001; gnomAD 0.00001.
gnomAD v4.1: 3 of 1,613,116 alleles (0.00019%); highest among the groups gnomAD compares: African/African-American, 0.004%; no homozygotes.

Submissions (2):

Labcorp Genetics (formerly Invitae), Labcorp
Classification: Likely benign for Distal myopathy with posterior leg and anterior hand involvement; Myofibrillar myopathy 5; Hypertrophic cardiomyopathy 26. Last evaluated: 2025-10-30. Review status: criteria provided, single submitter. Criteria: Invitae Variant Classification Sherloc (09022015). Collection method: clinical testing. Allele origin: germline.

Ambry Genetics
Classification: Uncertain significance for Cardiovascular phenotype. Last evaluated: 2024-11-17. Review status: criteria provided, single submitter. Criteria: Ambry Variant Classification Scheme 2023. Collection method: clinical testing. Allele origin: germline.
Comment: The p.T2177N variant (also known as c.6530C>A), located in coding exon 40 of the FLNC gene, results from a C to A substitution at nucleotide position 6530. The threonine at codon 2177 is replaced by asparagine, an amino acid with similar properties. This amino acid position is conserved. In addition, this alteration is predicted to be tolerated by in silico analysis. Since supporting evidence is limited at this time, the clinical significance of this alteration remains unclear.